The following is an entry in ClinVar:

ClinVar aggregate classification (germline): Uncertain significance (1 of 4 stars; one submission).

Conditions:
IFT172-related disorder. Also called: IFT172-related disorders; IFT172-related condition.

gnomAD v4.1: 5 of 1,614,080 alleles (0.00031%); highest among the groups gnomAD compares: African/African-American, 0.0053%; no homozygotes.

Submission:

PreventionGenetics, part of Exact Sciences
Classification: Uncertain significance for IFT172-related condition. Last evaluated: 2025-10-08. Review status: criteria provided, single submitter. Criteria: ACMG Guidelines, 2015. Collection method: clinical testing. Allele origin: germline.
Comment: The IFT172 c.2830G>A variant is predicted to result in the amino acid substitution p.Ala944Thr. To our knowledge, this variant has not been reported in the literature. This variant is reported in 0.011% of alleles in individuals of African descent in gnomAD. At this time, the clinical significance of this variant is uncertain due to the absence of conclusive functional and genetic evidence.

NM_015662.3(IFT172):c.2830G>A (p.Ala944Thr)

Genes: IFT172 (intraflagellar transport 172; minus strand), LOC126806174 (CDK7 strongly-dependent group 2 enhancer GRCh37_chr2:27681686-27682885; plus strand). Cytogenetic location: 2p23.3.
Variant type: single nucleotide variant.
Coding change: c.2830G>A on transcript NM_015662.3 (MANE Select); coding-DNA position 2830, G replaced by A.
Protein change: p.Ala944Thr; replaces alanine 944 with threonine.
Molecular consequence: missense variant.
Genome position (GRCh38, 1-based): chr2:27,458,826, C>T on the plus strand (G>A on the coding strand, the complement: IFT172 is on the minus strand). VCF-style: chr2-27458826-C-T. GRCh37 (hg19) VCF-style: chr2-27681693-C-T.
Other names: c.2764G>A, p.Ala922Thr (NM_001410739.1); short protein forms A922T, A944T.
Identifiers: ClinVar variation 4996496 (VCV004996496.1).